The following is an entry in ClinVar:

ClinVar aggregate classification (germline): Uncertain significance (1 of 4 stars; one submission).

Conditions:
Polyhydramnios, megalencephaly, and symptomatic epilepsy (PMSE). Also called: PMSE SYNDROME. Identifiers: Orphanet 500533, MedGen C1970203, MONDO:0012611, OMIM 611087.

Allele frequency attached by ClinVar (database versions not stated): TOPMed below 0.00001; gnomAD exomes 0.00001 and 0.00002; ExAC 0.00002.
gnomAD v4.1: 5 of 1,614,180 alleles (0.00031%); highest among the groups gnomAD compares: Admixed American, 0.0083%; no homozygotes.

Submission:

Labcorp Genetics (formerly Invitae), Labcorp
Classification: Uncertain significance for Polyhydramnios, megalencephaly, and symptomatic epilepsy. Last evaluated: 2021-08-28. Review status: criteria provided, single submitter. Criteria: Invitae Variant Classification Sherloc (09022015). Collection method: clinical testing. Allele origin: germline.
Comment: This sequence change replaces tyrosine with histidine at codon 152 of the STRADA protein (p.Tyr152His). The tyrosine residue is moderately conserved and there is a moderate physicochemical difference between tyrosine and histidine. This variant is present in population databases (rs748443631, ExAC 0.02%). This variant has not been reported in the literature in individuals affected with STRADA-related conditions. Algorithms developed to predict the effect of missense changes on protein structure and function are either unavailable or do not agree on the potential impact of this missense change (SIFT: "Tolerated"; PolyPhen-2: "Probably Damaging"; Align-GVGD: "Class C0"). In summary, the available evidence is currently insufficient to determine the role of this variant in disease. Therefore, it has been classified as a Variant of Uncertain Significance.

NM_001003787.4(STRADA):c.454T>C (p.Tyr152His)

Gene: STRADA (STE20 related adaptor alpha; minus strand). Cytogenetic location: 17q23.3.
Variant type: single nucleotide variant.
Coding change: c.454T>C on transcript NM_001003787.4 (MANE Select); coding-DNA position 454, T replaced by C.
Protein change: p.Tyr152His; replaces tyrosine 152 with histidine.
Molecular consequence: missense variant. On other transcripts: non-coding transcript variant (1).
Genome position (GRCh38, 1-based): chr17:63,710,731, A>G on the plus strand (T>C on the coding strand, the complement: STRADA is on the minus strand). VCF-style: chr17-63710731-A-G. GRCh37 (hg19) VCF-style: chr17-61788091-A-G.
Other names: c.343T>C, p.Tyr115His (NM_001003786.3, NM_001363789.1, NM_153335.6); c.280T>C, p.Tyr94His (NM_001003788.3, NM_001363790.1, NM_001363791.1); c.367T>C, p.Tyr123His (NM_001165969.2, NM_001363787.1); c.322T>C, p.Tyr108His (NM_001165970.2); c.430T>C, p.Tyr144His (NM_001363786.1); c.454T>C, p.Tyr152His (NM_001363788.1); short protein forms Y108H, Y115H, Y123H, Y144H, Y152H, Y94H.
Identifiers: ClinVar variation 1061400 (VCV001061400.6), dbSNP rs748443631, ClinGen allele CA8703394.
Genomic context (GRCh38, chr17:63,710,731, plus strand): 5'-CAATCTGACAACAGAGTCCCAATAACCCCTTTCTACCAAGAACCCTTTCCCACTCACCGT[A>G]TGCCATGAATGATGTGACAACCCACAGCTCATTGTCTGCAATAAAAGTGGCTCGATATGG-3'
Protein context (NP_001003787.1, residues 142-162): ELWVVTSFMA[Tyr152His]GSAKDLICTH